The following is an entry in ClinVar:

ClinVar aggregate classification (germline): Likely benign (0 of 4 stars; one submission).

Conditions:
REN-related disorder. Also called: REN-related condition.

gnomAD v4.1: 4 of 1,613,362 alleles (0.00025%); highest among the groups gnomAD compares: Non-Finnish European, 0.00025%; no homozygotes.

Submission:

PreventionGenetics, part of Exact Sciences
Classification: Likely benign for REN-related condition. Last evaluated: 2024-08-23. Review status: no assertion criteria provided. Collection method: clinical testing. Allele origin: germline.
Comment: This variant is classified as likely benign based on ACMG/AMP sequence variant interpretation guidelines (Richards et al. 2015 PMID: 25741868, with internal and published modifications).

NM_000537.4(REN):c.689+7A>G

Gene: REN (renin; minus strand). Cytogenetic location: 1q32.1.
Variant type: single nucleotide variant.
Coding change: c.689+7A>G on transcript NM_000537.4 (MANE Select); 7 bases into the intron after coding-DNA position 689, A replaced by G.
Molecular consequence: intron variant.
Genome position (GRCh38, 1-based): chr1:204,159,392, T>C on the plus strand (A>G on the coding strand, the complement: REN is on the minus strand). VCF-style: chr1-204159392-T-C. GRCh37 (hg19) VCF-style: chr1-204128520-T-C.
Identifiers: ClinVar variation 3357270 (VCV003357270.1).